The following is an entry in ClinVar:

NM_001378964.1(CDON):c.2057C>T (p.Ala686Val)

Gene: CDON (cell adhesion associated, oncogene regulated; minus strand). Cytogenetic location: 11q24.2.
Variant type: single nucleotide variant.
Coding change: c.2057C>T on transcript NM_001378964.1 (MANE Select); coding-DNA position 2057, C replaced by T.
Protein change: p.Ala686Val; replaces alanine 686 with valine.
Molecular consequence: missense variant.
Genome position (GRCh38, 1-based): chr11:126,001,820, G>A on the plus strand (C>T on the coding strand, the complement: CDON is on the minus strand). VCF-style: chr11-126001820-G-A. GRCh37 (hg19) VCF-style: chr11-125871715-G-A.
Other names: c.2057C>T, p.Ala686Val (NM_001243597.3, NM_016952.6); short protein forms A686V.
Identifiers: ClinVar variation 260785 (VCV000260785.18), dbSNP rs12274923, ClinGen allele CA6351852.

ClinVar aggregate classification (germline): Benign. Review status: criteria provided, multiple submitters, no conflicts (2 of 4 stars). 6 submissions from 6 submitters: Benign (6). Last evaluated 2026-02-02.

Conditions:
Holoprosencephaly 11 (HPE11). Identifiers: Orphanet 2162, MedGen C3280215, MONDO:0013642, OMIM 614226.

Allele frequency attached by ClinVar (database versions not stated): 1000 Genomes Project 0.11122; 1000 Genomes Project 30x 0.11149; TOPMed 0.15035; gnomAD 0.15906 and 0.16080; ESP Exome Variant Server 0.16185; ExAC 0.16313; gnomAD exomes 0.16657 and 0.18051.
gnomAD v4.1: 284,049 of 1,595,034 alleles (18%); highest among the groups gnomAD compares: Non-Finnish European, 19%; 26,783 homozygotes.

Submissions (13):

Labcorp Genetics (formerly Invitae), Labcorp
Classification: Benign for Holoprosencephaly 11. Last evaluated: 2026-02-02. Review status: criteria provided, single submitter. Criteria: Invitae Variant Classification Sherloc (09022015). Collection method: clinical testing. Allele origin: germline.

Blueprint Genetics
Classification: Benign. Last evaluated: 2024-11-27. Review status: criteria provided, single submitter. Criteria: ACMG Guidelines, 2015. Collection method: clinical testing. Allele origin: germline.

GeneDx
Classification: Benign. Last evaluated: 2018-11-10. Review status: criteria provided, single submitter. Criteria: GeneDx Variant Classification Process June 2021. Collection method: clinical testing. Allele origin: germline. Affected: yes.

Illumina Laboratory Services, Illumina
Classification: Benign for Holoprosencephaly 11. Last evaluated: 2018-01-12. Review status: criteria provided, single submitter. Criteria: ICSL Variant Classification Criteria 13 December 2019. Collection method: clinical testing. Allele origin: germline.
Comment: This variant was observed in the ICSL laboratory as part of a predisposition screen in an ostensibly healthy population. It had not been previously curated by ICSL or reported in the Human Gene Mutation Database (HGMD: prior to June 1st, 2018), and was therefore a candidate for classification through an automated scoring system. Utilizing variant allele frequency, disease prevalence and penetrance estimates, and inheritance mode, an automated score was calculated to assess if this variant is too frequent to cause the disease. Based on the score and internal cut-off values, a variant classified as benign is not then subjected to further curation. The score for this variant resulted in a classification of benign for this disease.

Breakthrough Genomics
Classification: Benign. Review status: criteria provided, single submitter. Criteria: ACMG Guidelines, 2015. Collection method: not provided. Allele origin: germline. Inheritance: Autosomal dominant inheritance. Affected: yes.

PreventionGenetics, part of Exact Sciences
Classification: Benign. Review status: criteria provided, single submitter. Criteria: ACMG Guidelines, 2015. Collection method: clinical testing. Allele origin: germline.

Dr. Peter K. Rogan Lab, Western University
No classification provided (evidence only). Condition: Malignant lymphoma, large B-cell, diffuse. Review status: no classification provided. Collection method: in vitro. Allele origin: not applicable. Functional consequence: retained intron. Not counted in ClinVar's aggregate classification.

Dr. Peter K. Rogan Lab, Western University
No classification provided (evidence only). Condition: Uterine carcinosarcoma. Review status: no classification provided. Collection method: in vitro. Allele origin: not applicable. Functional consequence: retained intron. Not counted in ClinVar's aggregate classification.

Dr. Peter K. Rogan Lab, Western University
No classification provided (evidence only). Condition: Uterine carcinosarcoma. Review status: no classification provided. Collection method: in vitro. Allele origin: not applicable. Functional consequence: retained intron. Not counted in ClinVar's aggregate classification.

Dr. Peter K. Rogan Lab, Western University
No classification provided (evidence only). Condition: Uterine carcinosarcoma. Review status: no classification provided. Collection method: in vitro. Allele origin: not applicable. Functional consequence: retained intron. Not counted in ClinVar's aggregate classification.

Dr. Peter K. Rogan Lab, Western University
No classification provided (evidence only). Condition: Uterine carcinosarcoma. Review status: no classification provided. Collection method: in vitro. Allele origin: not applicable. Functional consequence: retained intron. Not counted in ClinVar's aggregate classification.

Dr. Peter K. Rogan Lab, Western University
No classification provided (evidence only). Condition: Uterine carcinosarcoma. Review status: no classification provided. Collection method: in vitro. Allele origin: not applicable. Functional consequence: retained intron. Not counted in ClinVar's aggregate classification.

Dr. Peter K. Rogan Lab, Western University
No classification provided (evidence only). Condition: Uterine carcinosarcoma. Review status: no classification provided. Collection method: in vitro. Allele origin: not applicable. Functional consequence: retained intron. Not counted in ClinVar's aggregate classification.